The following is an entry in ClinVar:

NM_000384.3(APOB):c.13334A>G (p.His4445Arg)

Gene: APOB (apolipoprotein B; minus strand). Cytogenetic location: 2p24.1.
Variant type: single nucleotide variant.
Coding change: c.13334A>G on transcript NM_000384.3 (MANE Select); coding-DNA position 13334, A replaced by G.
Protein change: p.His4445Arg; replaces histidine 4445 with arginine.
Molecular consequence: missense variant.
Genome position (GRCh38, 1-based): chr2:21,002,088, T>C on the plus strand (A>G on the coding strand, the complement: APOB is on the minus strand). VCF-style: chr2-21002088-T-C. GRCh37 (hg19) VCF-style: chr2-21224960-T-C.
Other names: short protein forms H4445R.
Identifiers: ClinVar variation 4790989 (VCV004790989.1).

ClinVar aggregate classification (germline): Uncertain significance (1 of 4 stars; one submission).

Conditions:
Familial hypobetalipoproteinemia 1. Also called: APOB-Related Familial Hypobetalipoproteinemia; Hypobetalipoproteinemia, normotriglyceridemic; Acanthocytosis with hypobetalipoproteinemia. Identifiers: MedGen C4551990, MONDO:0014252, OMIM 615558.
Hypercholesterolemia, autosomal dominant, type B (FHCL2). Also called: APOB-Related Familial Hypercholesterolemia, Autosomal Dominant; Familial hypercholesterolemia 2; Familial Hypercholesterolemia Type B; APOLIPOPROTEIN B-100, FAMILIAL DEFECTIVE; APOLIPOPROTEIN B-100, FAMILIAL LIGAND-DEFECTIVE; HYPERCHOLESTEROLEMIA, FAMILIAL, DUE TO LIGAND-DEFECTIVE APOLIPOPROTEIN B. Identifiers: MedGen C1704417, MONDO:0007751, OMIM 144010.

gnomAD v4.1: 6 of 1,614,002 alleles (0.00037%); highest among the groups gnomAD compares: Non-Finnish European, 0.00051%; no homozygotes.

Submission:

Labcorp Genetics (formerly Invitae), Labcorp
Classification: Uncertain significance for Familial hypobetalipoproteinemia 1; Hypercholesterolemia, autosomal dominant, type B. Last evaluated: 2025-11-05. Review status: criteria provided, single submitter. Criteria: Invitae Variant Classification Sherloc (09022015). Collection method: clinical testing. Allele origin: germline.
Comment: This sequence change replaces histidine, which is basic and polar, with arginine, which is basic and polar, at codon 4445 of the APOB protein (p.His4445Arg). This variant is present in population databases (rs762982664, gnomAD 0.0009%). This variant has not been reported in the literature in individuals affected with APOB-related conditions. Invitae Evidence Modeling of protein sequence and biophysical properties (such as structural, functional, and spatial information, amino acid conservation, physicochemical variation, residue mobility, and thermodynamic stability) indicates that this missense variant is not expected to disrupt APOB protein function with a negative predictive value of 95%. In summary, the available evidence is currently insufficient to determine the role of this variant in disease. Therefore, it has been classified as a Variant of Uncertain Significance.